The following is an entry in ClinVar:

NM_170707.4(LMNA):c.779A>C (p.Lys260Thr)

Gene: LMNA (lamin A/C; plus strand). Cytogenetic location: 1q22.
Variant type: single nucleotide variant.
Coding change: c.779A>C on transcript NM_170707.4 (MANE Select); coding-DNA position 779, A replaced by C.
Protein change: p.Lys260Thr; replaces lysine 260 with threonine.
Molecular consequence: missense variant.
Genome position (GRCh38, 1-based): chr1:156,134,944, A>C. VCF-style: chr1-156134944-A-C. GRCh37 (hg19) VCF-style: chr1-156104735-A-C.
Other names: c.443A>C, p.Lys148Thr (NM_001257374.3); c.536A>C, p.Lys179Thr (NM_001282624.2); c.779A>C, p.Lys260Thr (NM_001282625.2, NM_001282626.2, NM_005572.4 and 1 more transcripts); short protein forms K148T, K179T, K260T.
Identifiers: ClinVar variation 1476528 (VCV001476528.9), dbSNP rs2102881862, ClinGen allele CA342817388.

ClinVar aggregate classification (germline): Uncertain significance. Review status: criteria provided, multiple submitters, no conflicts (2 of 4 stars). 2 submissions from 2 submitters: Uncertain significance (2). Last evaluated 2026-05-05.

Conditions:
Charcot-Marie-Tooth disease type 2. Also called: Charcot-Marie-Tooth type 2. Identifiers: Orphanet 64746, MedGen C0270914, MONDO:0018993.

Submissions (2):

Women's Health and Genetics/Laboratory Corporation of America, LabCorp
Classification: Uncertain significance. Last evaluated: 2026-05-05. Review status: criteria provided, single submitter. Criteria: LabCorp Variant Classification Summary - May 2015. Collection method: clinical testing. Allele origin: germline.
Comment: Variant summary: LMNA c.779A>C (p.Lys260Thr) results in a non-conservative amino acid change in the encoded protein sequence. Algorithms developed to predict the effect of missense changes on protein structure and function all suggest that this variant is likely to be disruptive. The variant was absent in 251418 control chromosomes. The available data on variant occurrences in the general population are insufficient to allow any conclusion about variant significance. To our knowledge, no occurrence of c.779A>C in individuals affected with LMNA-related conditions and no experimental evidence demonstrating its impact on protein function have been reported. ClinVar contains an entry for this variant (Variation ID: 1476528). Based on the evidence outlined above, the variant was classified as uncertain significance.

Labcorp Genetics (formerly Invitae), Labcorp
Classification: Uncertain significance for Charcot-Marie-Tooth disease type 2. Last evaluated: 2024-06-15. Review status: criteria provided, single submitter. Criteria: Invitae Variant Classification Sherloc (09022015). Collection method: clinical testing. Allele origin: germline.
Comment: This sequence change replaces lysine, which is basic and polar, with threonine, which is neutral and polar, at codon 260 of the LMNA protein (p.Lys260Thr). This variant is not present in population databases (gnomAD no frequency). This variant has not been reported in the literature in individuals affected with LMNA-related conditions. ClinVar contains an entry for this variant (Variation ID: 1476528). Advanced modeling of protein sequence and biophysical properties (such as structural, functional, and spatial information, amino acid conservation, physicochemical variation, residue mobility, and thermodynamic stability) performed at Invitae indicates that this missense variant is expected to disrupt LMNA protein function with a positive predictive value of 95%. This variant disrupts the p.Lys260 amino acid residue in LMNA. Other variant(s) that disrupt this residue have been observed in individuals with LMNA-related conditions (PMID: 23183350, 26573435), which suggests that this may be a clinically significant amino acid residue. In summary, the available evidence is currently insufficient to determine the role of this variant in disease. Therefore, it has been classified as a Variant of Uncertain Significance.

Literature cited by the submitters: PubMed 23183350 (cited by Labcorp Genetics (formerly Invitae), Labcorp); PubMed 26573435 (cited by Labcorp Genetics (formerly Invitae), Labcorp).